The following is an entry in ClinVar:

NM_001374385.1(ATP8B1):c.3589G>T (p.Val1197Leu)

Genes: ATP8B1 (ATPase phospholipid transporting 8B1; minus strand), ATP8B1-AS1 (ATP8B1 antisense RNA 1; plus strand). Cytogenetic location: 18q21.31.
Variant type: single nucleotide variant.
Coding change: c.3589G>T on transcript NM_001374385.1 (MANE Select); coding-DNA position 3589, G replaced by T.
Protein change: p.Val1197Leu; replaces valine 1197 with leucine.
Molecular consequence: missense variant.
Genome position (GRCh38, 1-based): chr18:57,648,655, C>A on the plus strand (G>T on the coding strand, the complement: ATP8B1 is on the minus strand). VCF-style: chr18-57648655-C-A. GRCh37 (hg19) VCF-style: chr18-55315887-C-A.
Other names: c.3439G>T, p.Val1147Leu (NM_001374386.1); c.3589G>T, p.Val1197Leu (NM_005603.6); short protein forms V1197L, V1147L.
Identifiers: ClinVar variation 501468 (VCV000501468.7), dbSNP rs1376578283, ClinGen allele CA402540122.

ClinVar aggregate classification (germline): Uncertain significance. Review status: criteria provided, multiple submitters, no conflicts (2 of 4 stars). 3 submissions from 3 submitters: Uncertain significance (3). Last evaluated 2026-04-14.

Conditions:
Familial intrahepatic cholestasis. Identifiers: Orphanet 284385, MedGen CN296401, MONDO:0017290.

Allele frequency attached by ClinVar (database versions not stated): TOPMed 0.00002; gnomAD 0.00003.
gnomAD v4.1: 19 of 1,584,948 alleles (0.0012%); highest among the groups gnomAD compares: Admixed American, 0.0018%; no homozygotes.

Submissions (3):

Genomenon, Inc
Classification: Uncertain significance for Familial intrahepatic cholestasis. Last evaluated: 2026-04-14. Review status: criteria provided, single submitter. Criteria: Genomenon Sequence Variant Interpretation Standards - Updated. Collection method: curation. Allele origin: germline. Affected: no.
Comment: ATP8B1 p.Val1197Leu (c.3589G>T) is a missense variant that changes the amino acid at residue 1197 from Valine to Leucine. This variant has been reported in the published literature (PMID:24260417). It is absent or not present at a significant frequency in gnomAD. In silico models predict that this variant is not damaging. In conclusion, we classify ATP8B1 p.Val1197Leu (c.3589G>T) as a variant of uncertain significance.

Labcorp Genetics (formerly Invitae), Labcorp
Classification: Uncertain significance. Last evaluated: 2022-10-19. Review status: criteria provided, single submitter. Criteria: Invitae Variant Classification Sherloc (09022015). Collection method: clinical testing. Allele origin: germline.
Comment: This sequence change replaces valine, which is neutral and non-polar, with leucine, which is neutral and non-polar, at codon 1197 of the ATP8B1 protein (p.Val1197Leu). This variant is present in population databases (no rsID available, gnomAD 0.004%). This missense change has been observed in individual(s) with chronic pancreatitis (PMID: 24260417). ClinVar contains an entry for this variant (Variation ID: 501468). Algorithms developed to predict the effect of missense changes on protein structure and function (SIFT, PolyPhen-2, Align-GVGD) all suggest that this variant is likely to be tolerated. In summary, the available evidence is currently insufficient to determine the role of this variant in disease. Therefore, it has been classified as a Variant of Uncertain Significance.

Eurofins Ntd Llc (ga)
Classification: Uncertain significance. Last evaluated: 2017-04-14. Review status: criteria provided, single submitter. Criteria: EGL Classification Definitions 2015. Collection method: clinical testing. Allele origin: germline. Observed: 1 variant allele, 1 heterozygote.

Literature cited by the submitters: PubMed 24260417 (cited by Genomenon, Inc and Labcorp Genetics (formerly Invitae), Labcorp).